The following is an entry in ClinVar:

ClinVar aggregate classification (germline): Uncertain significance (1 of 4 stars; one submission).

Submission:

Women's Health and Genetics/Laboratory Corporation of America, LabCorp
Classification: Uncertain significance. Last evaluated: 2020-03-04. Review status: criteria provided, single submitter. Criteria: LabCorp Variant Classification Summary - May 2015. Collection method: clinical testing. Allele origin: germline.
Comment: Variant summary: CACNG2 c.815C>T (p.Thr272Met) results in a non-conservative amino acid change in the encoded protein sequence. Three of five in-silico tools predict a benign effect of the variant on protein function. The variant was absent in 251342 control chromosomes (gnomAD). The available data on variant occurrences in the general population are insufficient to allow any conclusion about variant significance. To our knowledge, no occurrence of c.815C>T in individuals affected with Mental retardation, autosomal dominant 10 and no experimental evidence demonstrating its impact on protein function have been reported. No clinical diagnostic laboratories have submitted clinical-significance assessments for this variant to ClinVar after 2014. Based on the evidence outlined above, the variant was classified as uncertain significance.

NM_006078.5(CACNG2):c.815C>T (p.Thr272Met)

Gene: CACNG2 (calcium voltage-gated channel auxiliary subunit gamma 2; minus strand). Cytogenetic location: 22q12.3.
Variant type: single nucleotide variant.
Coding change: c.815C>T on transcript NM_006078.5 (MANE Select); coding-DNA position 815, C replaced by T.
Protein change: p.Thr272Met; replaces threonine 272 with methionine.
Molecular consequence: missense variant. On other transcripts: non-coding transcript variant (1).
Genome position (GRCh38, 1-based): chr22:36,564,508, G>A on the plus strand (C>T on the coding strand, the complement: CACNG2 is on the minus strand). VCF-style: chr22-36564508-G-A. GRCh37 (hg19) VCF-style: chr22-36960555-G-A.
Other names: c.746C>T, p.Thr249Met (NM_001379051.1); short protein forms T272M, T249M.
Identifiers: ClinVar variation 918096 (VCV000918096.1), dbSNP rs759983832, ClinGen allele CA411375429.